The following is an entry in ClinVar:

NM_001164508.2(NEB):c.2559del (p.Lys854_Met855insTer)

Gene: NEB (nebulin; minus strand). Cytogenetic location: 2q23.3.
Variant type: Deletion.
Coding change: c.2559del on transcript NM_001164508.2 (MANE Select); coding-DNA position 2559, one base deleted (G; older notation c.2559delG).
Protein change: p.Lys854_Met855insTer.
Molecular consequence: frameshift variant. On other transcripts: nonsense (1).
Genome position (GRCh38, 1-based): chr2:151,687,497, C deleted on the plus strand (G on the coding strand, the reverse complement: NEB is on the minus strand); the first of 3 consecutive C bases (chr2:151,687,497-151,687,499); deleting any one gives the same sequence. VCF-style (leftmost placement, unchanged base first): chr2-151687496-TC-T. GRCh37 (hg19) VCF-style: chr2-152544010-TC-T.
Other names: c.2559del, p.Lys854_Met855insTer (NM_001164507.2, NM_001271208.2, NM_004543.5); c.2557delG, p.Met855Terfs (NM_001271208.1).
Identifiers: ClinVar variation 3239905 (VCV003239905.2), dbSNP rs767011524.

ClinVar aggregate classification (germline): Pathogenic/Likely pathogenic. Review status: criteria provided, multiple submitters, no conflicts (2 of 4 stars). 2 submissions from 2 submitters: Pathogenic (1); Likely pathogenic (1). Last evaluated 2025-09-08.

Conditions:
Nemaline myopathy 2 (NEM2). Also called: Nemaline myopathy 2, autosomal recessive. Identifiers: MedGen C1850569, MONDO:0009725, OMIM 256030.
Arthrogryposis multiplex congenita 6. Identifiers: MedGen C5543431, MONDO:0030281, OMIM 619334.

Submissions (2):

Natera, Inc.
Classification: Pathogenic for Nemaline myopathy type 2. Last evaluated: 2025-09-08. Review status: criteria provided, single submitter. Criteria: Natera Variant Classification Schema (03/2026). Collection method: clinical testing. Allele origin: germline.
Comment: The c.2559del variant in NEB is a frameshift variant predicted to shift the reading frame and introduce a stop codon. This variant is expected to result in nonsense mediated decay, truncation, or a dysfunctional protein product. This variant is rare in the general population with a frequency below the threshold expected for the associated phenotype(s). This variant has been observed in one or more individuals affected with the associated recessive disease, as either homozygous or compound heterozygous with a second variant (PMID: 40661861). Given the available evidence, this variant is classified as Pathogenic.

Baylor Genetics
Classification: Likely pathogenic for Arthrogryposis multiplex congenita 6. Last evaluated: 2023-12-04. Review status: criteria provided, single submitter. Criteria: ACMG Guidelines, 2015. Collection method: clinical testing. Allele origin: unknown.

Literature cited by the submitters: PubMed 40661861 (cited by Natera, Inc.).